The following is an entry in ClinVar:

ClinVar aggregate classification (germline): Uncertain significance. Review status: criteria provided, single submitter (1 of 4 stars). 3 submissions from 3 submitters: Uncertain significance (1). 2 of the submissions do not count toward it. Last evaluated 2023-07-21.

Conditions:
Hereditary factor XI deficiency disease. Also called: Congenital factor XI deficiency; PLASMA THROMBOPLASTIN ANTECEDENT DEFICIENCY; PTA DEFICIENCY; ROSENTHAL SYNDROME. Identifiers: Orphanet 329, MedGen C0015523, MeSH D005173, MONDO:0012897, OMIM 612416.
F11-related disorder. Also called: F11-related condition.

Allele frequency attached by ClinVar (database versions not stated): ExAC 0.00002; gnomAD 0.00002 and 0.00003; TOPMed 0.00003; gnomAD exomes 0.00005 and 0.00001.
gnomAD v4.1: 75 of 1,597,284 alleles (0.0047%); highest among the groups gnomAD compares: Non-Finnish European, 0.0058%; no homozygotes.

Submissions (3):

Blueprint Genetics
Classification: Uncertain significance. Last evaluated: 2023-07-21. Review status: criteria provided, single submitter. Criteria: ACMG Guidelines, 2015. Collection method: clinical testing. Allele origin: germline.

PreventionGenetics, part of Exact Sciences
Classification: Likely pathogenic for F11-related condition. Last evaluated: 2024-02-21. Review status: no assertion criteria provided. Collection method: clinical testing. Allele origin: germline. Not counted in ClinVar's aggregate classification.
Comment: The F11 c.1135+5G>A variant is predicted to interfere with splicing. This variant was reported in heterozygous state in two individuals with Factor XI deficiency (Mitchell et al. 2006. PubMed ID: 16835901; Duncan et al. 2008. PubMed ID: 18446632). This variant is predicted to induce a large splicing change (Xiong et al. 2015. PubMed ID: 25525159) and impact splicing based on splicing prediction programs (SpliceAI, Jaganathan et al. 2019. PubMed ID: 30661751). This variant is reported in 0.0031% of alleles in individuals of European (Non-Finnish) descent in gnomAD. This variant is interpreted as likely pathogenic.

Counsyl
Classification: Uncertain significance for Hereditary factor XI deficiency disease. Last evaluated: 2017-07-26. Review status: no assertion criteria provided. Collection method: clinical testing. Allele origin: unknown. Not counted in ClinVar's aggregate classification.

Literature cited by the submitters: PubMed 18446632 (cited by Counsyl); PubMed 16835901 (cited by Counsyl).

NM_000128.4(F11):c.1135+5G>A

Gene: F11 (coagulation factor XI; plus strand). Cytogenetic location: 4q35.2.
Variant type: single nucleotide variant.
Coding change: c.1135+5G>A on transcript NM_000128.4 (MANE Select); 5 bases into the intron after coding-DNA position 1135, G replaced by A.
Molecular consequence: intron variant.
Genome position (GRCh38, 1-based): chr4:186,280,585, G>A. VCF-style: chr4-186280585-G-A. GRCh37 (hg19) VCF-style: chr4-187201739-G-A.
Identifiers: ClinVar variation 553054 (VCV000553054.5), dbSNP rs758515608, ClinGen allele CA3163886.